The following is an entry in ClinVar:

ClinVar aggregate classification (germline): Uncertain significance (1 of 4 stars; one submission).

Conditions:
Congenital lactic acidosis, Saguenay-Lac-Saint-Jean type (MC4DN5). Also called: CYTOCHROME c OXIDASE DEFICIENCY, FRENCH CANADIAN TYPE; COX DEFICIENCY, FRENCH CANADIAN TYPE; MITOCHONDRIAL COMPLEX IV DEFICIENCY, NUCLEAR TYPE 5. Identifiers: Orphanet 70472, MedGen C1857355, MONDO:0009069, OMIM 220111.

gnomAD v4.1: 3 of 1,612,852 alleles (0.00019%); highest among the groups gnomAD compares: Non-Finnish European, 0.00025%; no homozygotes.

Submission:

Baylor Genetics
Classification: Uncertain significance for Congenital lactic acidosis, Saguenay-Lac-Saint-Jean type. Last evaluated: 2018-02-26. Review status: criteria provided, single submitter. Criteria: ACMG Guidelines, 2015. Collection method: clinical testing. Allele origin: unknown. Affected: yes.
Comment: This variant was determined to be of uncertain significance according to ACMG Guidelines, 2015 [PMID:25741868].

NM_133259.4(LRPPRC):c.695A>C (p.Glu232Ala)

Gene: LRPPRC (leucine rich pentatricopeptide repeat containing; minus strand). Cytogenetic location: 2p21.
Variant type: single nucleotide variant.
Coding change: c.695A>C on transcript NM_133259.4 (MANE Select); coding-DNA position 695, A replaced by C.
Protein change: p.Glu232Ala; replaces glutamic acid 232 with alanine.
Molecular consequence: missense variant.
Genome position (GRCh38, 1-based): chr2:43,976,185, T>G on the plus strand (A>C on the coding strand, the complement: LRPPRC is on the minus strand). VCF-style: chr2-43976185-T-G. GRCh37 (hg19) VCF-style: chr2-44203324-T-G.
Other names: short protein forms E232A.
Identifiers: ClinVar variation 1033052 (VCV001033052.1), dbSNP rs765911841, ClinGen allele CA346675260.